The following is an entry in ClinVar:

ClinVar aggregate classification (germline): Uncertain significance (1 of 4 stars; one submission).

Conditions:
Sphingolipid activator protein 1 deficiency. Also called: METACHROMATIC LEUKODYSTROPHY DUE TO CEREBROSIDE SULFATASE ACTIVATOR DEFICIENCY; Metachromatic leukodystrophy due to saposin B deficiency; Saposin B Deficiency. Identifiers: Orphanet 512, MedGen C0268262, MONDO:0009590, OMIM 249900.

Allele frequency attached by ClinVar (database versions not stated): gnomAD exomes below 0.00001; TOPMed below 0.00001; gnomAD 0.00001.
gnomAD v4.1: 2 of 1,613,908 alleles (0.00012%); highest among the groups gnomAD compares: African/African-American, 0.0013%; no homozygotes.

Submission:

Labcorp Genetics (formerly Invitae), Labcorp
Classification: Uncertain significance for Sphingolipid activator protein 1 deficiency. Last evaluated: 2022-08-16. Review status: criteria provided, single submitter. Criteria: Invitae Variant Classification Sherloc (09022015). Collection method: clinical testing. Allele origin: germline.
Comment: This sequence change replaces threonine, which is neutral and polar, with alanine, which is neutral and non-polar, at codon 26 of the PSAP protein (p.Thr26Ala). This variant is not present in population databases (gnomAD no frequency). This variant has not been reported in the literature in individuals affected with PSAP-related conditions. ClinVar contains an entry for this variant (Variation ID: 1461938). Algorithms developed to predict the effect of missense changes on protein structure and function output the following: SIFT: "Not Available"; PolyPhen-2: "Benign"; Align-GVGD: "Not Available". The alanine amino acid residue is found in multiple mammalian species, which suggests that this missense change does not adversely affect protein function. In summary, the available evidence is currently insufficient to determine the role of this variant in disease. Therefore, it has been classified as a Variant of Uncertain Significance.

NM_002778.4(PSAP):c.76A>G (p.Thr26Ala)

Gene: PSAP (prosaposin; minus strand). Cytogenetic location: 10q22.1.
Variant type: single nucleotide variant.
Coding change: c.76A>G on transcript NM_002778.4 (MANE Select); coding-DNA position 76, A replaced by G.
Protein change: p.Thr26Ala; replaces threonine 26 with alanine.
Molecular consequence: missense variant.
Genome position (GRCh38, 1-based): chr10:71,834,470, T>C on the plus strand (A>G on the coding strand, the complement: PSAP is on the minus strand). VCF-style: chr10-71834470-T-C. GRCh37 (hg19) VCF-style: chr10-73594227-T-C.
Other names: c.76A>G, p.Thr26Ala (NM_001042465.3, NM_001042466.3); short protein forms T26A.
Identifiers: ClinVar variation 1461938 (VCV001461938.5), dbSNP rs1322184020, ClinGen allele CA377156259.